The following is an entry in ClinVar:

NM_032119.4(ADGRV1):c.6816G>T (p.Trp2272Cys)

Gene: ADGRV1 (adhesion G protein-coupled receptor V1; plus strand). Cytogenetic location: 5q14.3.
Variant type: single nucleotide variant.
Coding change: c.6816G>T on transcript NM_032119.4 (MANE Select); coding-DNA position 6816, G replaced by T.
Protein change: p.Trp2272Cys; replaces tryptophan 2272 with cysteine.
Molecular consequence: missense variant. On other transcripts: non-coding transcript variant (1).
Genome position (GRCh38, 1-based): chr5:90,690,906, G>T. VCF-style: chr5-90690906-G-T. GRCh37 (hg19) VCF-style: chr5-89986723-G-T.
Other names: short protein forms W2272C.
Identifiers: ClinVar variation 967913 (VCV000967913.9), dbSNP rs763459452, ClinGen allele CA360368057.

ClinVar aggregate classification (germline): Uncertain significance (1 of 4 stars; one submission).

Submission:

Labcorp Genetics (formerly Invitae), Labcorp
Classification: Uncertain significance. Last evaluated: 2019-10-23. Review status: criteria provided, single submitter. Criteria: Invitae Variant Classification Sherloc (09022015). Collection method: clinical testing. Allele origin: germline.
Comment: This sequence change replaces tryptophan with cysteine at codon 2272 of the ADGRV1 protein (p.Trp2272Cys). The tryptophan residue is highly conserved and there is a large physicochemical difference between tryptophan and cysteine. This variant is not present in population databases (ExAC no frequency). This variant has not been reported in the literature in individuals with ADGRV1-related conditions. Algorithms developed to predict the effect of missense changes on protein structure and function are either unavailable or do not agree on the potential impact of this missense change (SIFT: "Deleterious"; PolyPhen-2: "Possibly Damaging"; Align-GVGD: "Class C0"). In summary, the available evidence is currently insufficient to determine the role of this variant in disease. Therefore, it has been classified as a Variant of Uncertain Significance.